The following is an entry in ClinVar:

ClinVar aggregate classification (germline): Uncertain significance (1 of 4 stars; one submission).

Conditions:
Gorlin syndrome. Also called: Nevoid Basal Cell Carcinoma Syndrome; Basal cell nevus syndrome. Identifiers: Orphanet 377, MedGen C0004779, MONDO:0007187.

Submission:

Labcorp Genetics (formerly Invitae), Labcorp
Classification: Uncertain significance for Gorlin syndrome. Last evaluated: 2022-08-25. Review status: criteria provided, single submitter. Criteria: Invitae Variant Classification Sherloc (09022015). Collection method: clinical testing. Allele origin: germline.
Comment: This missense change has been observed in individuals with basal cell nevus syndrome (PMID: 15565302; Invitae). It has also been observed to segregate with disease in related individuals. This variant is not present in population databases (gnomAD no frequency). This sequence change replaces glycine, which is neutral and non-polar, with arginine, which is basic and polar, at codon 110 of the PTCH1 protein (p.Gly110Arg). ClinVar contains an entry for this variant (Variation ID: 936278). In summary, the available evidence is currently insufficient to determine the role of this variant in disease. Therefore, it has been classified as a Variant of Uncertain Significance. Advanced modeling of protein sequence and biophysical properties (such as structural, functional, and spatial information, amino acid conservation, physicochemical variation, residue mobility, and thermodynamic stability) performed at Invitae indicates that this missense variant is not expected to disrupt PTCH1 protein function.

Literature cited by the submitters: PubMed 15565302.

NM_000264.5(PTCH1):c.328G>C (p.Gly110Arg)

Gene: PTCH1 (patched 1; minus strand). Cytogenetic location: 9q22.32.
Variant type: single nucleotide variant.
Coding change: c.328G>C on transcript NM_000264.5 (MANE Select); coding-DNA position 328, G replaced by C.
Protein change: p.Gly110Arg; replaces glycine 110 with arginine.
Molecular consequence: missense variant. On other transcripts: 5 prime UTR variant (4), non-coding transcript variant (1).
Genome position (GRCh38, 1-based): chr9:95,506,473, C>G on the plus strand (G>C on the coding strand, the complement: PTCH1 is on the minus strand). VCF-style: chr9-95506473-C-G. GRCh37 (hg19) VCF-style: chr9-98268755-C-G.
Other names: c.130G>C, p.Gly44Arg (NM_001083602.3, NM_001354919.2); c.325G>C, p.Gly109Arg (NM_001083603.3); c.-126G>C (NM_001083604.3, NM_001083605.3, NM_001083606.3 and 1 more transcripts); c.328G>C, p.Gly110Arg (NM_001354918.2); short protein forms G110R, G109R, G44R.
Identifiers: ClinVar variation 936278 (VCV000936278.6), dbSNP rs1843654942, ClinGen allele CA374120267.